The following is an entry in ClinVar:

ClinVar aggregate classification (germline): Pathogenic. Review status: criteria provided, multiple submitters, no conflicts (2 of 4 stars). 5 submissions from 5 submitters: Pathogenic (4). 1 of the submissions does not count toward it. Last evaluated 2022-03-15.

Conditions:
Hereditary cancer-predisposing syndrome. Also called: Hereditary neoplastic syndrome; Tumor predisposition; Neoplastic Syndromes, Hereditary; Hereditary Cancer Syndrome. Identifiers: Orphanet 140162, MedGen C0027672, MeSH D009386, MONDO:0015356.
Cardiovascular phenotype. Identifiers: MedGen CN230736.
Neurofibromatosis, type 1 (NF1). Also called: Neurofibromatosis, type I; NEUROFIBROMATOSIS, TYPE I, SOMATIC; Peripheral type neurofibromatosis; VON RECKLINGHAUSEN DISEASE. Identifiers: Orphanet 636, MedGen C0027831, MONDO:0018975, OMIM 162200. Disease mechanism: loss of function.

Submissions (5):

Genome-Nilou Lab
Classification: Pathogenic for Neurofibromatosis, type 1. Last evaluated: 2022-03-15. Review status: criteria provided, single submitter. Criteria: ACMG Guidelines, 2015. Collection method: clinical testing. Allele origin: germline. Affected: no.

Labcorp Genetics (formerly Invitae), Labcorp
Classification: Pathogenic for Neurofibromatosis, type 1. Last evaluated: 2020-10-19. Review status: criteria provided, single submitter. Criteria: Invitae Variant Classification Sherloc (09022015). Collection method: clinical testing. Allele origin: germline.
Comment: This sequence change creates a premature translational stop signal (p.Thr1013Argfs*6) in the NF1 gene. It is expected to result in an absent or disrupted protein product. Loss-of-function variants in NF1 are known to be pathogenic (PMID: 10712197, 23913538). For these reasons, this variant has been classified as Pathogenic. This variant has been observed in individual(s) with neurofibromatosis, type 1 (PMID: 26740943). ClinVar contains an entry for this variant (Variation ID: 431615). This variant is not present in population databases (ExAC no frequency).

GeneDx
Classification: Pathogenic. Last evaluated: 2019-03-18. Review status: criteria provided, single submitter. Criteria: GeneDx Variant Classification Process June 2021. Collection method: clinical testing. Allele origin: germline. Affected: yes.
Comment: This variant is associated with the following publications: (PMID: 26740943)

Ambry Genetics
Classification: Pathogenic for Cardiovascular phenotype; Hereditary cancer-predisposing syndrome. Last evaluated: 2016-05-04. Review status: criteria provided, single submitter. Criteria: Ambry Variant Classification Scheme 2023. Collection method: clinical testing. Allele origin: germline.
Comment: The c.3037delA pathogenic mutation, located in coding exon 23 of the NF1 gene, results from a deletion of one nucleotide at nucleotide position 3037, causing a translational frameshift with a predicted alternate stop codon. In addition to the clinical data presented in the literature, since frameshifts are typically deleterious in nature, this alteration is interpreted as a disease-causing mutation (ACMG Recommendations for Standards for Interpretation and Reporting of Sequence Variations. Revision 2007. Genet Med. 2008;10:294).

Medical Genetics, University of Parma
Classification: Pathogenic for Neurofibromatosis type 1. Last evaluated: 2017-02-02. Review status: no assertion criteria provided. Collection method: clinical testing. Allele origin: germline. Affected: yes. Not counted in ClinVar's aggregate classification.

Literature cited by the submitters: PubMed 10712197 (cited by Labcorp Genetics (formerly Invitae), Labcorp); PubMed 23913538 (cited by Labcorp Genetics (formerly Invitae), Labcorp); PubMed 26740943 (cited by Labcorp Genetics (formerly Invitae), Labcorp).

NM_001042492.3(NF1):c.3037del (p.Thr1013fs)

Gene: NF1 (neurofibromin 1; plus strand). Cytogenetic location: 17q11.2.
Variant type: Deletion.
Coding change: c.3037del on transcript NM_001042492.3 (MANE Select); coding-DNA position 3037, one base deleted (A; older notation c.3037delA).
Protein change: p.Thr1013fs; shifts the reading frame from threonine 1013.
Molecular consequence: frameshift variant.
Genome position (GRCh38, 1-based): chr17:31,230,306, A deleted; the last of 5 consecutive A bases (chr17:31,230,302-31,230,306); deleting any one gives the same sequence. VCF-style (leftmost placement, unchanged base first): chr17-31230301-TA-T. GRCh37 (hg19) VCF-style: chr17-29557319-TA-T.
Other names: c.3037delA (NM_000267.3); c.3037delA, p.Thr1013Argfs (NM_000267.4, NM_001042492.2); short protein forms T1013fs.
Identifiers: ClinVar variation 431615 (VCV000431615.14), dbSNP rs1135402838, ClinGen allele CA645372612.